The following is an entry in ClinVar:

NM_015001.3(SPEN):c.10476C>T (p.Ser3492=)

Gene: SPEN (spen family transcriptional repressor; plus strand). Cytogenetic location: 1p36.13.
Variant type: single nucleotide variant.
Coding change: c.10476C>T on transcript NM_015001.3 (MANE Select); coding-DNA position 10476, C replaced by T.
Protein change: p.Ser3492=; no amino-acid change (serine 3492 retained).
Molecular consequence: synonymous variant.
Genome position (GRCh38, 1-based): chr1:15,937,612, C>T. VCF-style: chr1-15937612-C-T. GRCh37 (hg19) VCF-style: chr1-16264107-C-T.
Identifiers: ClinVar variation 3772108 (VCV003772108.13).
Genomic context (GRCh38, chr1:15,937,612, plus strand): 5'-TCTGCCACACACTGAATTCCAGCCAGCCCCCAAACAAGATTCCTCTCCACACCTGACTTC[C>T]CAGAGACCCGTGGATATGGTTCAACTTCTGAAGGTAAGCATGAGCAGGGGCTGCCCTTCC-3'
Protein context (NP_055816.2, residues 3482-3502): PKQDSSPHLT[Ser3492=]QRPVDMVQLL

ClinVar aggregate classification (germline): Likely benign (1 of 4 stars; one submission).

Submission:

CeGaT Center for Human Genetics Tuebingen
Classification: Likely benign. Last evaluated: 2024-12-01. Review status: criteria provided, single submitter. Criteria: CeGaT Center For Human Genetics Tuebingen Variant Classification Criteria Version 2. Collection method: clinical testing. Allele origin: germline. Affected: yes. Observed: 1 variant allele.
Comment: SPEN: PM2:Supporting, BP4, BP7